The following is an entry in ClinVar:

ClinVar aggregate classification (germline): Likely benign (1 of 4 stars; one submission).

Submission:

CeGaT Center for Human Genetics Tuebingen
Classification: Likely benign. Last evaluated: 2025-01-01. Review status: criteria provided, single submitter. Criteria: CeGaT Center For Human Genetics Tuebingen Variant Classification Criteria Version 2. Collection method: clinical testing. Allele origin: germline. Affected: yes. Observed: 1 variant allele.
Comment: SHANK3: BP4, BP7

NM_001372044.2(SHANK3):c.3798G>A (p.Lys1266=)

Gene: SHANK3 (SH3 and multiple ankyrin repeat domains 3; plus strand). Cytogenetic location: 22q13.33.
Variant type: single nucleotide variant.
Coding change: c.3798G>A on transcript NM_001372044.2 (MANE Select); coding-DNA position 3798, G replaced by A.
Protein change: p.Lys1266=; no amino-acid change (lysine 1266 retained).
Molecular consequence: synonymous variant.
Genome position (GRCh38, 1-based): chr22:50,721,406, G>A. VCF-style: chr22-50721406-G-A. GRCh37 (hg19) VCF-style: chr22-51159834-G-A.
Identifiers: ClinVar variation 3771014 (VCV003771014.13).